The following is an entry in ClinVar:

ClinVar aggregate classification (germline): Uncertain significance (1 of 4 stars; one submission).

Allele frequency attached by ClinVar (database versions not stated): gnomAD 0.00001.
gnomAD v4.1: 1 of 1,613,956 alleles (0.000062%); highest among the groups gnomAD compares: Non-Finnish European, 0.000085%; no homozygotes.

Submission:

Labcorp Genetics (formerly Invitae), Labcorp
Classification: Uncertain significance. Last evaluated: 2022-02-10. Review status: criteria provided, single submitter. Criteria: Invitae Variant Classification Sherloc (09022015). Collection method: clinical testing. Allele origin: germline.
Comment: This sequence change replaces leucine, which is neutral and non-polar, with phenylalanine, which is neutral and non-polar, at codon 56 of the TMEM38B protein (p.Leu56Phe). This variant is not present in population databases (gnomAD no frequency). In summary, the available evidence is currently insufficient to determine the role of this variant in disease. Therefore, it has been classified as a Variant of Uncertain Significance. Algorithms developed to predict the effect of missense changes on protein structure and function are either unavailable or do not agree on the potential impact of this missense change (SIFT: "Deleterious"; PolyPhen-2: "Probably Damaging"; Align-GVGD: "Class C0"). This variant has not been reported in the literature in individuals affected with TMEM38B-related conditions.

NM_018112.3(TMEM38B):c.166C>T (p.Leu56Phe)

Gene: TMEM38B (transmembrane protein 38B; plus strand). Cytogenetic location: 9q31.2.
Variant type: single nucleotide variant.
Coding change: c.166C>T on transcript NM_018112.3 (MANE Select); coding-DNA position 166, C replaced by T.
Protein change: p.Leu56Phe; replaces leucine 56 with phenylalanine.
Molecular consequence: missense variant.
Genome position (GRCh38, 1-based): chr9:105,705,650, C>T. VCF-style: chr9-105705650-C-T. GRCh37 (hg19) VCF-style: chr9-108467931-C-T.
Other names: short protein forms L56F.
Identifiers: ClinVar variation 1373366 (VCV001373366.8), dbSNP rs1035539738, ClinGen allele CA198226905.
Genomic context (GRCh38, chr9:105,705,650, plus strand): 5'-ATTTCAGGAGCAGCTGCATTGGCATGGAAGAATCCTATTTCAAGCTGGTTTACTGCTATG[C>T]TCCACTGTTTTGGTGGAGGAATTTTATCCTGTCTACTGCTTGCAGAGCCTCCATTGAAGT-3'
Protein context (NP_060582.1, residues 46-66): NPISSWFTAM[Leu56Phe]HCFGGGILSC